The following is an entry in ClinVar:

ClinVar aggregate classification (germline): Uncertain significance (1 of 4 stars; one submission).

Conditions:
Inborn genetic diseases. Identifiers: MedGen C0950123, MeSH D030342.

gnomAD v4.1: 2 of 1,613,896 alleles (0.00012%); no homozygotes.

Submission:

Ambry Genetics
Classification: Uncertain significance for Inborn genetic diseases. Last evaluated: 2026-05-14. Review status: criteria provided, single submitter. Criteria: Ambry Variant Classification Scheme 2023. Collection method: clinical testing. Allele origin: germline.
Comment: The p.L343R variant (also known as c.1028T>G), located in coding exon 10 of the DDX41 gene, results from a T to G substitution at nucleotide position 1028. The leucine at codon 343 is replaced by arginine, an amino acid with dissimilar properties. This amino acid position is conserved. In addition, this alteration is predicted to be deleterious by in silico analysis. Based on the available evidence, the clinical significance of this variant remains unclear.

NM_016222.4(DDX41):c.1028T>G (p.Leu343Arg)

Gene: DDX41 (DEAD-box helicase 41; minus strand). Cytogenetic location: 5q35.3.
Variant type: single nucleotide variant.
Coding change: c.1028T>G on transcript NM_016222.4 (MANE Select); coding-DNA position 1028, T replaced by G.
Protein change: p.Leu343Arg; replaces leucine 343 with arginine.
Molecular consequence: missense variant.
Genome position (GRCh38, 1-based): chr5:177,513,755, A>C on the plus strand (T>G on the coding strand, the complement: DDX41 is on the minus strand). VCF-style: chr5-177513755-A-C. GRCh37 (hg19) VCF-style: chr5-176940756-A-C.
Other names: c.650T>G, p.Leu217Arg (NM_001321732.2, NM_001321830.2); short protein forms L217R, L343R.
Identifiers: ClinVar variation 4869677 (VCV004869677.1).